The following is an entry in ClinVar:

NM_021815.5(SLC5A7):c.146T>C (p.Ile49Thr)

Gene: SLC5A7 (solute carrier family 5 member 7; plus strand). Cytogenetic location: 2q12.3.
Variant type: single nucleotide variant.
Coding change: c.146T>C on transcript NM_021815.5 (MANE Select); coding-DNA position 146, T replaced by C.
Protein change: p.Ile49Thr; replaces isoleucine 49 with threonine.
Molecular consequence: missense variant. On other transcripts: 5 prime UTR variant (1), intron variant (1).
Genome position (GRCh38, 1-based): chr2:107,988,301, T>C. VCF-style: chr2-107988301-T-C. GRCh37 (hg19) VCF-style: chr2-108604757-T-C.
Other names: c.146T>C, p.Ile49Thr (NM_001305005.3); c.-559T>C (NM_001305007.3); c.-138+1538T>C (NM_001305006.3); short protein forms I49T.
Identifiers: ClinVar variation 2121776 (VCV002121776.4), dbSNP rs764607015, ClinGen allele CA1818886.

ClinVar aggregate classification (germline): Uncertain significance (1 of 4 stars; one submission).

Conditions:
Neuronopathy, distal hereditary motor, type 7A. Also called: HARPER-YOUNG MYOPATHY; HMN VIIA; SPINAL MUSCULAR ATROPHY, DISTAL, WITH VOCAL CORD PARALYSIS; Neuronopathy, distal hereditary motor, type viia; NEURONOPATHY, DISTAL HEREDITARY MOTOR, HARDING TYPE VIIA; NEUROPATHY, DISTAL HEREDITARY MOTOR, HARDING TYPE VIIA. Identifiers: Orphanet 139589, MedGen C1834703, MONDO:0008024, OMIM 158580.
Congenital myasthenic syndrome 20. Also called: Myasthenic syndrome, congenital, 20, presynaptic. Identifiers: MedGen C4310694, MONDO:0014939, OMIM 617143.

Allele frequency attached by ClinVar (database versions not stated): gnomAD exomes below 0.00001; ExAC 0.00001.
gnomAD v4.1: 2 of 1,613,856 alleles (0.00012%); highest among the groups gnomAD compares: South Asian, 0.0011%; no homozygotes.

Submission:

Labcorp Genetics (formerly Invitae), Labcorp
Classification: Uncertain significance for Neuronopathy, distal hereditary motor, type 7A; Congenital myasthenic syndrome 20. Last evaluated: 2022-08-09. Review status: criteria provided, single submitter. Criteria: Invitae Variant Classification Sherloc (09022015). Collection method: clinical testing. Allele origin: germline.
Comment: In summary, the available evidence is currently insufficient to determine the role of this variant in disease. Therefore, it has been classified as a Variant of Uncertain Significance. Algorithms developed to predict the effect of missense changes on protein structure and function are either unavailable or do not agree on the potential impact of this missense change (SIFT: "Deleterious"; PolyPhen-2: "Probably Damaging"; Align-GVGD: "Class C0"). This variant has not been reported in the literature in individuals affected with SLC5A7-related conditions. This variant is present in population databases (rs764607015, gnomAD 0.003%). This sequence change replaces isoleucine, which is neutral and non-polar, with threonine, which is neutral and polar, at codon 49 of the SLC5A7 protein (p.Ile49Thr).